The following is an entry in ClinVar:

ClinVar aggregate classification (germline): Uncertain significance (1 of 4 stars; one submission).

gnomAD v4.1: 4 of 1,613,834 alleles (0.00025%); highest among the groups gnomAD compares: Middle Eastern, 0.017%; no homozygotes.

Submission:

Labcorp Genetics (formerly Invitae), Labcorp
Classification: Uncertain significance. Last evaluated: 2022-05-12. Review status: criteria provided, single submitter. Criteria: Invitae Variant Classification Sherloc (09022015). Collection method: clinical testing. Allele origin: germline.
Comment: In summary, the available evidence is currently insufficient to determine the role of this variant in disease. Therefore, it has been classified as a Variant of Uncertain Significance. Algorithms developed to predict the effect of sequence changes on RNA splicing suggest that this variant may create or strengthen a splice site. Algorithms developed to predict the effect of missense changes on protein structure and function output the following: SIFT: "Tolerated"; PolyPhen-2: "Not Available"; Align-GVGD: "Class C0". The glutamine amino acid residue is found in multiple mammalian species, which suggests that this missense change does not adversely affect protein function. This variant has not been reported in the literature in individuals affected with COX6A1-related conditions. This variant is not present in population databases (gnomAD no frequency). This sequence change replaces arginine, which is basic and polar, with glutamine, which is neutral and polar, at codon 15 of the COX6A1 protein (p.Arg15Gln).

NM_004373.4(COX6A1):c.44G>A (p.Arg15Gln)

Gene: COX6A1 (cytochrome c oxidase subunit 6A1; plus strand). Cytogenetic location: 12q24.31.
Variant type: single nucleotide variant.
Coding change: c.44G>A on transcript NM_004373.4 (MANE Select); coding-DNA position 44, G replaced by A.
Protein change: p.Arg15Gln; replaces arginine 15 with glutamine.
Molecular consequence: missense variant.
Genome position (GRCh38, 1-based): chr12:120,438,170, G>A. VCF-style: chr12-120438170-G-A. GRCh37 (hg19) VCF-style: chr12-120875973-G-A.
Other names: short protein forms R15Q.
Identifiers: ClinVar variation 1993551 (VCV001993551.4), dbSNP rs768968190, ClinGen allele CA386568015.